The following is an entry in ClinVar:

ClinVar aggregate classification (germline): Pathogenic (1 of 4 stars; one submission).

Submission:

Labcorp Genetics (formerly Invitae), Labcorp
Classification: Pathogenic. Last evaluated: 2021-10-05. Review status: criteria provided, single submitter. Criteria: Invitae Variant Classification Sherloc (09022015). Collection method: clinical testing. Allele origin: germline.
Comment: For these reasons, this variant has been classified as Pathogenic. This variant has not been reported in the literature in individuals affected with STAR-related conditions. This variant is not present in population databases (ExAC no frequency). This sequence change creates a premature translational stop signal (p.Ser32Lysfs*15) in the STAR gene. It is expected to result in an absent or disrupted protein product. Loss-of-function variants in STAR are known to be pathogenic (PMID: 8948562).

Literature cited by the submitters: PubMed 8948562.

NM_000349.3(STAR):c.94dup (p.Ser32fs)

Gene: STAR (steroidogenic acute regulatory protein; minus strand). Cytogenetic location: 8p11.23.
Variant type: Duplication.
Coding change: c.94dup on transcript NM_000349.3 (MANE Select); coding-DNA position 94, one base duplicated (A; older notation c.94dupA).
Protein change: p.Ser32fs; shifts the reading frame from serine 32.
Molecular consequence: frameshift variant.
Genome position (GRCh38, 1-based): chr8:38,148,725, T duplicated on the plus strand (A on the coding strand, the reverse complement: STAR is on the minus strand). VCF-style (leftmost placement, unchanged base first): chr8-38148724-C-CT. GRCh37 (hg19) VCF-style: chr8-38006242-C-CT.
Other names: short protein forms S32fs.
Identifiers: ClinVar variation 1459786 (VCV001459786.6), dbSNP rs2130617601, ClinGen allele CA2573142771.
Genomic context (GRCh38, chr8:38,148,724, plus strand): 5'-ACCTGGTTAATCCACGTGCTAGGGGTGGGGCCCCCCAGGGCCCTCCGGTTCAGCTCCTGG[C>CT]TGATGGCCATCACAGCCTGTTGCCTCAGCCCTGCAGAAGGGAATAACCCTTGTCTAGGAG-3'